The following is an entry in ClinVar:

NM_001347721.2(DYRK1A):c.1412A>G (p.Lys471Arg)

Gene: DYRK1A (dual specificity tyrosine phosphorylation regulated kinase 1A; plus strand). Cytogenetic location: 21q22.13.
Variant type: single nucleotide variant.
Coding change: c.1412A>G on transcript NM_001347721.2 (MANE Select); coding-DNA position 1412, A replaced by G.
Protein change: p.Lys471Arg; replaces lysine 471 with arginine.
Molecular consequence: missense variant.
Genome position (GRCh38, 1-based): chr21:37,505,482, A>G. VCF-style: chr21-37505482-A-G. GRCh37 (hg19) VCF-style: chr21-38877785-A-G.
Other names: c.1412A>G, p.Lys471Arg (NM_001347722.2, NM_130436.2); c.1325A>G, p.Lys442Arg (NM_001347723.2); c.1439A>G, p.Lys480Arg (NM_001396.5, NM_101395.2, NM_130438.2); short protein forms K442R, K480R, K471R.
Identifiers: ClinVar variation 3015225 (VCV003015225.3), dbSNP rs2518074475, ClinGen allele CA409938533.
Genomic context (GRCh38, chr21:37,505,482, plus strand): 5'-TTGATTATGACCCCAAAACTCGAATTCAACCTTATTATGCTCTGCAGCACAGTTTCTTCA[A>G]GAAAACAGCTGATGAAGGTACAAATACAAGTAATAGTGTATCTACAAGCCCCGCCATGGA-3'
Protein context (NP_001334650.1, residues 461-481): PYYALQHSFF[Lys471Arg]KTADEGTNTS

ClinVar aggregate classification (germline): Uncertain significance (1 of 4 stars; one submission).

Conditions:
DYRK1A-related intellectual disability syndrome (MRD7). Also called: Intellectual developmental disorder, autosomal dominant 7; DYRK1A Syndrome. Identifiers: Orphanet 464306, MedGen C5568143, MONDO:0013578, OMIM 614104.

Allele frequency attached by ClinVar (database versions not stated): gnomAD exomes below 0.00001.
gnomAD v4.1: 1 of 1,614,218 alleles (0.000062%); highest among the groups gnomAD compares: South Asian, 0.0011%; no homozygotes.

Submission:

Labcorp Genetics (formerly Invitae), Labcorp
Classification: Uncertain significance for DYRK1A-related intellectual disability syndrome. Last evaluated: 2023-01-30. Review status: criteria provided, single submitter. Criteria: Invitae Variant Classification Sherloc (09022015). Collection method: clinical testing. Allele origin: germline.
Comment: This variant is not present in population databases (gnomAD no frequency). This sequence change replaces lysine, which is basic and polar, with arginine, which is basic and polar, at codon 480 of the DYRK1A protein (p.Lys480Arg). This variant has not been reported in the literature in individuals affected with DYRK1A-related conditions. Advanced modeling of protein sequence and biophysical properties (such as structural, functional, and spatial information, amino acid conservation, physicochemical variation, residue mobility, and thermodynamic stability) performed at Invitae indicates that this missense variant is not expected to disrupt DYRK1A protein function. In summary, the available evidence is currently insufficient to determine the role of this variant in disease. Therefore, it has been classified as a Variant of Uncertain Significance.